The following is an entry in ClinVar:

ClinVar aggregate classification (germline): Uncertain significance (1 of 4 stars; one submission).

Conditions:
Gorlin syndrome. Also called: Nevoid Basal Cell Carcinoma Syndrome; Basal cell nevus syndrome. Identifiers: Orphanet 377, MedGen C0004779, MONDO:0007187.

Allele frequency attached by ClinVar (database versions not stated): gnomAD exomes below 0.00001.

Submission:

Labcorp Genetics (formerly Invitae), Labcorp
Classification: Uncertain significance for Gorlin syndrome. Last evaluated: 2022-11-09. Review status: criteria provided, single submitter. Criteria: Invitae Variant Classification Sherloc (09022015). Collection method: clinical testing. Allele origin: germline.
Comment: This sequence change results in a frameshift in the PTCH1 gene (p.Leu1408Alafs*45). While this is not anticipated to result in nonsense mediated decay, it is expected to disrupt the last 40 amino acid(s) of the PTCH1 protein and extend the protein by 4 additional amino acid residues. This variant is not present in population databases (gnomAD no frequency). This variant has not been reported in the literature in individuals affected with PTCH1-related conditions. Experimental studies and prediction algorithms are not available or were not evaluated, and the functional significance of this variant is currently unknown. In summary, the available evidence is currently insufficient to determine the role of this variant in disease. Therefore, it has been classified as a Variant of Uncertain Significance.

NM_000264.5(PTCH1):c.4219_4220dup (p.Leu1408fs)

Gene: PTCH1 (patched 1; minus strand). Cytogenetic location: 9q22.32.
Variant type: Duplication.
Coding change: c.4219_4220dup on transcript NM_000264.5 (MANE Select); coding-DNA positions 4219 to 4220, 2 bases duplicated (GG; older notation c.4219_4220dupGG).
Protein change: p.Leu1408fs; shifts the reading frame from leucine 1408.
Molecular consequence: frameshift variant. On other transcripts: non-coding transcript variant (1).
Genome position (GRCh38, 1-based): chr9:95,447,036-95,447,037, CC duplicated on the plus strand (GG on the coding strand, the reverse complement: PTCH1 is on the minus strand). VCF-style (leftmost placement, unchanged base first): chr9-95447035-G-GCC. GRCh37 (hg19) VCF-style: chr9-98209317-G-GCC.
Other names: c.4021_4022dup, p.Leu1342fs (NM_001083602.3); c.4216_4217dup, p.Leu1407fs (NM_001083603.3); c.3766_3767dup, p.Leu1257fs (NM_001083604.3, NM_001083605.3, NM_001083606.3 and 1 more transcripts); c.4063_4064dup, p.Leu1356fs (NM_001354918.2); short protein forms L1356fs, L1407fs, L1257fs, L1408fs, L1342fs.
Identifiers: ClinVar variation 2813105 (VCV002813105.3), dbSNP rs2537995912, ClinGen allele CA2690796172.